The following is an entry in ClinVar:

ClinVar aggregate classification (germline): Uncertain significance (1 of 4 stars; one submission).

Submission:

Labcorp Genetics (formerly Invitae), Labcorp
Classification: Uncertain significance. Last evaluated: 2022-03-04. Review status: criteria provided, single submitter. Criteria: Invitae Variant Classification Sherloc (09022015). Collection method: clinical testing. Allele origin: germline.
Comment: In summary, the available evidence is currently insufficient to determine the role of this variant in disease. Therefore, it has been classified as a Variant of Uncertain Significance. Algorithms developed to predict the effect of sequence changes on RNA splicing suggest that this variant may disrupt the consensus splice site. Algorithms developed to predict the effect of missense changes on protein structure and function are either unavailable or do not agree on the potential impact of this missense change (SIFT: "Deleterious"; PolyPhen-2: "Probably Damaging"; Align-GVGD: "Class C0"). This variant has not been reported in the literature in individuals affected with SCP2-related conditions. This variant is not present in population databases (gnomAD no frequency). This sequence change replaces glycine, which is neutral and non-polar, with cysteine, which is neutral and slightly polar, at codon 110 of the SCP2 protein (p.Gly110Cys).

NM_002979.5(SCP2):c.328G>T (p.Gly110Cys)

Gene: SCP2 (sterol carrier protein 2; plus strand). Cytogenetic location: 1p32.3.
Variant type: single nucleotide variant.
Coding change: c.328G>T on transcript NM_002979.5 (MANE Select); coding-DNA position 328, G replaced by T.
Protein change: p.Gly110Cys; replaces glycine 110 with cysteine.
Molecular consequence: missense variant. On other transcripts: intron variant (2).
Genome position (GRCh38, 1-based): chr1:52,950,883, G>T. VCF-style: chr1-52950883-G-T. GRCh37 (hg19) VCF-style: chr1-53416555-G-T.
Other names: c.256G>T, p.Gly86Cys (NM_001193599.2); c.85G>T, p.Gly29Cys (NM_001193617.2); c.328G>T, p.Gly110Cys (NM_001330587.2); c.199+2803G>T (NM_001193600.2, NM_001007098.3); short protein forms G29C, G86C, G110C.
Identifiers: ClinVar variation 2106111 (VCV002106111.4), dbSNP rs1479797545, ClinGen allele CA340387061.
Genomic context (GRCh38, chr1:52,950,883, plus strand): 5'-GTCAACAATAACTGTGCTACTGGTTCTACTGCTTTGTTTATGGCCCGCCAGCTGATTCAG[G>T]GTGGTAAGGAGTGCTTGTCTAGTGTACTTAAATATTGCCCCATTTTAATCATTTAATCAC-3'
Protein context (NP_002970.2, residues 100-120): ALFMARQLIQ[Gly110Cys]GVAECVLALG